The following is an entry in ClinVar:

NM_000140.5(FECH):c.175C>T (p.Gln59Ter)

Gene: FECH (ferrochelatase; minus strand). Cytogenetic location: 18q21.31.
Variant type: single nucleotide variant.
Coding change: c.175C>T on transcript NM_000140.5 (MANE Select); coding-DNA position 175, C replaced by T.
Protein change: p.Gln59Ter; replaces glutamine 59 with a stop codon.
Molecular consequence: nonsense. On other transcripts: 5 prime UTR variant (1).
Genome position (GRCh38, 1-based): chr18:57,580,092, G>A on the plus strand (C>T on the coding strand, the complement: FECH is on the minus strand). VCF-style: chr18-57580092-G-A. GRCh37 (hg19) VCF-style: chr18-55247324-G-A.
Other names: c.175C>T, p.Gln59Ter (NM_001012515.4, NM_001371094.1, NM_001374778.1); c.-42C>T (NM_001371095.1); short protein forms Q59*.
Identifiers: ClinVar variation 1012439 (VCV001012439.44), dbSNP rs2051253130, ClinGen allele CA402537934.

ClinVar aggregate classification (germline): Pathogenic. Review status: criteria provided, multiple submitters, no conflicts (2 of 4 stars). 2 submissions from 2 submitters: Pathogenic (2). Last evaluated 2021-04-08.

Submissions (2):

Labcorp Genetics (formerly Invitae), Labcorp
Classification: Pathogenic. Last evaluated: 2021-04-08. Review status: criteria provided, single submitter. Criteria: Invitae Variant Classification Sherloc (09022015). Collection method: clinical testing. Allele origin: germline.
Comment: This variant has been observed in individual(s) with clinical features of erythropoietic protoporphyria (PMID: 8005600). ClinVar contains an entry for this variant (Variation ID: 1012439). This variant is not present in population databases (ExAC no frequency). This sequence change creates a premature translational stop signal (p.Gln59*) in the FECH gene. It is expected to result in an absent or disrupted protein product. Loss-of-function variants in FECH are known to be pathogenic (PMID: 20105171, 23016163, 23364466). For these reasons, this variant has been classified as Pathogenic.

CeGaT Center for Human Genetics Tuebingen
Classification: Pathogenic. Last evaluated: 2021-01-01. Review status: criteria provided, single submitter. Criteria: CeGaT Center For Human Genetics Tuebingen Variant Classification Criteria Version 2. Collection method: clinical testing. Allele origin: germline. Affected: yes. Observed: 1 variant allele.

Literature cited by the submitters: PubMed 8005600 (cited by Labcorp Genetics (formerly Invitae), Labcorp); PubMed 20105171 (cited by Labcorp Genetics (formerly Invitae), Labcorp); PubMed 23016163 (cited by Labcorp Genetics (formerly Invitae), Labcorp); PubMed 23364466 (cited by Labcorp Genetics (formerly Invitae), Labcorp).